The following is an entry in ClinVar:

NM_003954.5(MAP3K14):c.642C>T (p.Gly214=)

Gene: MAP3K14 (mitogen-activated protein kinase kinase kinase 14; minus strand). Cytogenetic location: 17q21.31.
Variant type: single nucleotide variant.
Coding change: c.642C>T on transcript NM_003954.5 (MANE Select); coding-DNA position 642, C replaced by T.
Protein change: p.Gly214=; no amino-acid change (glycine 214 retained).
Molecular consequence: synonymous variant.
Genome position (GRCh38, 1-based): chr17:45,286,941, G>A on the plus strand (C>T on the coding strand, the complement: MAP3K14 is on the minus strand). VCF-style: chr17-45286941-G-A. GRCh37 (hg19) VCF-style: chr17-43364307-G-A.
Identifiers: ClinVar variation 3719434 (VCV003719434.2).
Genomic context (GRCh38, chr17:45,286,941, plus strand): 5'-TTGCAAGGGGCTGATCAGTTTGTGGAGTTCTGATCGAGGCAGAGCCGGCCGTAGGCCCTC[G>A]CCAAGCTGCTTAAAACAGAGTTGCCCAAGGCCTGGTTCCTTCAGAGGCTTGGTGAACTGC-3'
Protein context (NP_003945.2, residues 204-224): GLGQLCFKQL[Gly214=]EGLRPALPRS

ClinVar aggregate classification (germline): Uncertain significance (1 of 4 stars; one submission).

Conditions:
NIK deficiency. Also called: Primary immunodeficiency with multifaceted aberrant lymphoid immunity. Identifiers: Orphanet 447731, MedGen C5680065, MONDO:0018642.

gnomAD v4.1: 20 of 1,613,914 alleles (0.0012%); highest among the groups gnomAD compares: Admixed American, 0.0017%; no homozygotes.

Submission:

Labcorp Genetics (formerly Invitae), Labcorp
Classification: Uncertain significance for NIK deficiency. Last evaluated: 2024-07-15. Review status: criteria provided, single submitter. Criteria: Invitae Variant Classification Sherloc (09022015). Collection method: clinical testing. Allele origin: germline.
Comment: This sequence change affects codon 214 of the MAP3K14 mRNA. It is a 'silent' change, meaning that it does not change the encoded amino acid sequence of the MAP3K14 protein. This variant is present in population databases (rs754839854, gnomAD 0.004%). This variant has not been reported in the literature in individuals affected with MAP3K14-related conditions. Algorithms developed to predict the effect of sequence changes on RNA splicing suggest that this variant may create or strengthen a splice site. In summary, the available evidence is currently insufficient to determine the role of this variant in disease. Therefore, it has been classified as a Variant of Uncertain Significance.